The following is an entry in ClinVar:

NM_000059.4(BRCA2):c.6085del (p.Glu2029fs)

Gene: BRCA2 (BRCA2 DNA repair associated; plus strand). Cytogenetic location: 13q13.1.
Variant type: Deletion.
Coding change: c.6085del on transcript NM_000059.4 (MANE Select); coding-DNA position 6085, one base deleted (G; older notation c.6085delG).
Protein change: p.Glu2029fs; shifts the reading frame from glutamic acid 2029.
Molecular consequence: frameshift variant.
Genome position (GRCh38, 1-based): chr13:32,340,440, G deleted. VCF-style (leftmost placement, unchanged base first): chr13-32340439-AG-A. GRCh37 (hg19) VCF-style: chr13-32914576-AG-A.
Other names: c.6085delG (NM_000059.3); short protein forms E2029fs.
Identifiers: ClinVar variation 483135 (VCV000483135.5), dbSNP rs1555284533, ClinGen allele CA658656413.
Genomic context (GRCh38, chr13:32,340,439, plus strand): 5'-GCAAGTCTTTTCCAAAGTATTGTTTAAAAGTAACGAACATTCAGACCAGCTCACAAGAGA[AG>A]AAAATACTGCTATACGTACTCCAGAACATTTAATATCCCAAAAAGGCTTTTCATATAATG-3'

ClinVar aggregate classification (germline): Pathogenic (1 of 4 stars; one submission).

Conditions:
Hereditary cancer-predisposing syndrome. Also called: Neoplastic Syndromes, Hereditary; Tumor predisposition; Hereditary Cancer Syndrome; Hereditary neoplastic syndrome. Identifiers: Orphanet 140162, MedGen C0027672, MeSH D009386, MONDO:0015356.

Submission:

Ambry Genetics
Classification: Pathogenic for Hereditary cancer-predisposing syndrome. Last evaluated: 2017-08-28. Review status: criteria provided, single submitter. Criteria: Ambry Variant Classification Scheme 2023. Collection method: clinical testing. Allele origin: germline.
Comment: The c.6085delG pathogenic mutation, located in coding exon 10 of the BRCA2 gene, results from a deletion of one nucleotide at nucleotide position 6085, causing a translational frameshift with a predicted alternate stop codon (p.E2029Kfs*11). This alteration is expected to result in loss of function by premature protein truncation or nonsense-mediated mRNA decay. As such, this alteration is interpreted as a disease-causing mutation.